The following is an entry in ClinVar:

ClinVar aggregate classification (germline): Pathogenic (1 of 4 stars; one submission).

Submission:

Labcorp Genetics (formerly Invitae), Labcorp
Classification: Pathogenic. Last evaluated: 2022-12-22. Review status: criteria provided, single submitter. Criteria: Invitae Variant Classification Sherloc (09022015). Collection method: clinical testing. Allele origin: germline.
Comment: This sequence change creates a premature translational stop signal (p.Glu1247Aspfs*14) in the CEP152 gene. It is expected to result in an absent or disrupted protein product. Loss-of-function variants in CEP152 are known to be pathogenic (PMID: 21131973). This variant is not present in population databases (gnomAD no frequency). This variant has not been reported in the literature in individuals affected with CEP152-related conditions. For these reasons, this variant has been classified as Pathogenic.

Literature cited by the submitters: PubMed 21131973.

NM_001194998.2(CEP152):c.3909del (p.Glu1303fs)

Gene: CEP152 (centrosomal protein 152; minus strand). Cytogenetic location: 15q21.1.
Variant type: Deletion.
Coding change: c.3909del on transcript NM_001194998.2 (MANE Select); coding-DNA position 3909, one base deleted (A; older notation c.3909delA).
Protein change: p.Glu1303fs; shifts the reading frame from glutamic acid 1303.
Molecular consequence: frameshift variant.
Genome position (GRCh38, 1-based): chr15:48,742,027, T deleted on the plus strand (A on the coding strand, the reverse complement: CEP152 is on the minus strand); the first of 2 consecutive T bases (chr15:48,742,027-48,742,028); deleting either gives the same sequence. VCF-style (leftmost placement, unchanged base first): chr15-48742026-GT-G. GRCh37 (hg19) VCF-style: chr15-49034223-GT-G.
Other names: c.3741del, p.Glu1247fs (NM_014985.4); short protein forms E1303fs, E1247fs.
Identifiers: ClinVar variation 2823145 (VCV002823145.3), dbSNP rs2504489626, ClinGen allele CA2628342823.